The following is an entry in ClinVar:

ClinVar aggregate classification (germline): Likely benign (1 of 4 stars; one submission).

Submission:

CeGaT Center for Human Genetics Tuebingen
Classification: Likely benign. Last evaluated: 2025-10-01. Review status: criteria provided, single submitter. Criteria: CeGaT Center For Human Genetics Tuebingen Variant Classification Criteria Version 2. Collection method: clinical testing. Allele origin: germline. Affected: yes. Observed: 1 variant allele.
Comment: MUC19: BP4, BP7

NC_000012.12:g.40488274G>A

Gene: MUC19 (mucin 19, oligomeric (gene/pseudogene); plus strand). Cytogenetic location: 12q12.
Variant type: single nucleotide variant.
Genome position: GRCh38 VCF-style: chr12-40488274-G-A. GRCh37 (hg19) VCF-style: chr12-40882076-G-A.
Identifiers: ClinVar variation 4534239 (VCV004534239.6).